The following is an entry in ClinVar:

ClinVar aggregate classification (germline): Pathogenic/Likely pathogenic. Review status: criteria provided, multiple submitters, no conflicts (2 of 4 stars). 2 submissions from 2 submitters: Pathogenic (1); Likely pathogenic (1). Last evaluated 2024-05-14.

gnomAD v4.1: 1 of 1,613,540 alleles (0.000062%); highest among the groups gnomAD compares: Non-Finnish European, 0.000085%; no homozygotes.

Submissions (2):

GeneDx
Classification: Likely pathogenic. Last evaluated: 2024-05-14. Review status: criteria provided, single submitter. Criteria: GeneDx Variant Classification Process June 2021. Collection method: clinical testing. Allele origin: germline. Affected: yes.
Comment: In silico analysis supports that this missense variant has a deleterious effect on protein structure/function; Not observed at significant frequency in large population cohorts (gnomAD); This variant is associated with the following publications: (PMID: 14584882, 19904698, 19543743)

Labcorp Genetics (formerly Invitae), Labcorp
Classification: Pathogenic. Last evaluated: 2022-12-20. Review status: criteria provided, single submitter. Criteria: Invitae Variant Classification Sherloc (09022015). Collection method: clinical testing. Allele origin: germline.
Comment: This sequence change replaces proline, which is neutral and non-polar, with arginine, which is basic and polar, at codon 249 of the CLCN7 protein (p.Pro249Arg). This variant is not present in population databases (gnomAD no frequency). This missense change has been observed in individual(s) with autosomal recessive osteopetrosis (PMID: 14584882). In at least one individual the data is consistent with being in trans (on the opposite chromosome) from a pathogenic variant. It has also been observed to segregate with disease in related individuals. Advanced modeling of protein sequence and biophysical properties (such as structural, functional, and spatial information, amino acid conservation, physicochemical variation, residue mobility, and thermodynamic stability) performed at Invitae indicates that this missense variant is expected to disrupt CLCN7 protein function. For these reasons, this variant has been classified as Pathogenic.

Literature cited by the submitters: PubMed 14584882 (cited by Labcorp Genetics (formerly Invitae), Labcorp).

NM_001287.6(CLCN7):c.746C>G (p.Pro249Arg)

Gene: CLCN7 (chloride voltage-gated channel 7; minus strand). Cytogenetic location: 16p13.3.
Variant type: single nucleotide variant.
Coding change: c.746C>G on transcript NM_001287.6 (MANE Select); coding-DNA position 746, C replaced by G.
Protein change: p.Pro249Arg; replaces proline 249 with arginine.
Molecular consequence: missense variant.
Genome position (GRCh38, 1-based): chr16:1,457,330, G>C on the plus strand (C>G on the coding strand, the complement: CLCN7 is on the minus strand). VCF-style: chr16-1457330-G-C. GRCh37 (hg19) VCF-style: chr16-1507331-G-C.
Other names: c.674C>G, p.Pro225Arg (NM_001114331.3); c.746C>G (NM_001287.5); short protein forms P225R, P249R.
Identifiers: ClinVar variation 2736273 (VCV002736273.4), dbSNP rs2038850050, ClinGen allele CA394191133.